The following is an entry in ClinVar:

NM_006735.4(HOXA2):c.789_810dup (p.Ser271fs)

Gene: HOXA2 (homeobox A2; minus strand). Cytogenetic location: 7p15.2.
Variant type: Duplication.
Coding change: c.789_810dup on transcript NM_006735.4 (MANE Select); coding-DNA positions 789 to 810, 22 bases duplicated (TGGACACAATGGCGACTCCCAA).
Protein change: p.Ser271fs; shifts the reading frame from serine 271.
Molecular consequence: frameshift variant.
Genome position (GRCh38, 1-based): chr7:27,101,047-27,101,068, TTGGGAGTCGCCATTGTGTCCA duplicated on the plus strand (TGGACACAATGGCGACTCCCAA on the coding strand, the reverse complement: HOXA2 is on the minus strand); duplicating any 22 consecutive bases within chr7:27,101,047-27,101,075 gives the same sequence; the c. name uses the placement nearest the transcript's 3' end. VCF-style (leftmost placement, unchanged base first): chr7-27101046-T-TTTGGGAGTCGCCATTGTGTCCA. GRCh37 (hg19) VCF-style: chr7-27140665-T-TTTGGGAGTCGCCATTGTGTCCA.
Other names: short protein forms S271fs.
Identifiers: ClinVar variation 4887047 (VCV004887047.1).

ClinVar aggregate classification (germline): Likely pathogenic (1 of 4 stars; one submission).

Conditions:
Monogenic hearing loss.

Submission:

North West Genomic Laboratory Hub, Manchester University NHS Foundation Trust
Classification: Likely pathogenic for Monogenic hearing loss. Last evaluated: 2026-07-06. Review status: criteria provided, single submitter. Criteria: ACGS Best Practice Guidelines for Variant Classification in Rare Disease 2024. Collection method: clinical testing. Allele origin: germline. Affected: yes.
Comment: PM2_Mod PM4_Str